The following is an entry in ClinVar:

NM_006618.5(KDM5B):c.552dup (p.Phe185fs)

Gene: KDM5B (lysine demethylase 5B; minus strand). Cytogenetic location: 1q32.1.
Variant type: Duplication.
Coding change: c.552dup on transcript NM_006618.5 (MANE Select); coding-DNA position 552, one base duplicated (A; older notation c.552dupA).
Protein change: p.Phe185fs; shifts the reading frame from phenylalanine 185.
Molecular consequence: frameshift variant.
Genome position (GRCh38, 1-based): chr1:202,773,142, T duplicated on the plus strand (A on the coding strand, the reverse complement: KDM5B is on the minus strand). VCF-style (leftmost placement, unchanged base first): chr1-202773141-A-AT. GRCh37 (hg19) VCF-style: chr1-202742269-A-AT.
Other names: c.552dup, p.Phe185fs (NM_001314042.2, NM_001347591.2); c.537dup, p.Phe180fs (NM_001399817.1); short protein forms F180fs, F185fs.
Identifiers: ClinVar variation 4530821 (VCV004530821.1).

ClinVar aggregate classification (germline): Likely pathogenic (1 of 4 stars; one submission).

Submission:

GeneDx
Classification: Likely pathogenic. Last evaluated: 2025-05-20. Review status: criteria provided, single submitter. Criteria: GeneDx Variant Classification Process June 2021. Collection method: clinical testing. Allele origin: germline. Affected: yes.
Comment: Frameshift variant predicted to result in protein truncation or nonsense mediated decay in a gene for which loss of function is a known mechanism of disease; Not observed at significant frequency in large population cohorts (gnomAD); Has not been previously published as pathogenic or benign to our knowledge